The following is an entry in ClinVar:

ClinVar aggregate classification (germline): Uncertain significance (1 of 4 stars; one submission).

gnomAD v4.1: 2 of 1,614,000 alleles (0.00012%); highest among the groups gnomAD compares: Non-Finnish European, 0.00017%; no homozygotes.

Submission:

Labcorp Genetics (formerly Invitae), Labcorp
Classification: Uncertain significance. Last evaluated: 2024-07-06. Review status: criteria provided, single submitter. Criteria: Invitae Variant Classification Sherloc (09022015). Collection method: clinical testing. Allele origin: germline.
Comment: This sequence change replaces leucine, which is neutral and non-polar, with valine, which is neutral and non-polar, at codon 592 of the MICAL1 protein (p.Leu592Val). This variant is present in population databases (no rsID available, gnomAD 0.0009%). This variant has not been reported in the literature in individuals affected with MICAL1-related conditions. ClinVar contains an entry for this variant (Variation ID: 1963380). Algorithms developed to predict the effect of missense changes on protein structure and function output the following: SIFT: "Not Available"; PolyPhen-2: "Benign"; Align-GVGD: "Not Available". The valine amino acid residue is found in multiple mammalian species, which suggests that this missense change does not adversely affect protein function. In summary, the available evidence is currently insufficient to determine the role of this variant in disease. Therefore, it has been classified as a Variant of Uncertain Significance.

NM_022765.4(MICAL1):c.1717C>G (p.Leu573Val)

Gene: MICAL1 (microtubule associated monooxygenase, calponin and LIM domain containing 1; minus strand). Cytogenetic location: 6q21.
Variant type: single nucleotide variant.
Coding change: c.1717C>G on transcript NM_022765.4 (MANE Select); coding-DNA position 1717, C replaced by G.
Protein change: p.Leu573Val; replaces leucine 573 with valine.
Molecular consequence: missense variant.
Genome position (GRCh38, 1-based): chr6:109,448,341, G>C on the plus strand (C>G on the coding strand, the complement: MICAL1 is on the minus strand). VCF-style: chr6-109448341-G-C. GRCh37 (hg19) VCF-style: chr6-109769544-G-C.
Other names: c.1459C>G, p.Leu487Val (NM_001159291.2); c.1774C>G, p.Leu592Val (NM_001286613.2); short protein forms L573V, L592V, L487V.
Identifiers: ClinVar variation 1963380 (VCV001963380.5), dbSNP rs911112875, ClinGen allele CA365227617.
Genomic context (GRCh38, chr6:109,448,341, plus strand): 5'-CTACCACGGCCTGTGCAGACACCACCGGTGTGATGCCCAGCTCATTCTCTGCCACCTTTA[G>C]TGCCCAAGCAGTTGCTTCCAGAGCTCCCAGCCCCTGCAGCTCTGAGGGTTCCCTGTGGGA-3'
Protein context (NP_073602.3, residues 563-583): LGALEATAWA[Leu573Val]KVAENELGIT